The following is an entry in ClinVar:

ClinVar aggregate classification (germline): Uncertain significance (1 of 4 stars; one submission).

Conditions:
Charcot-Marie-Tooth disease type 2E (CMT2E). Also called: CHARCOT-MARIE-TOOTH DISEASE, AXONAL, TYPE 2E; CHARCOT-MARIE-TOOTH NEUROPATHY, TYPE 2E. Identifiers: Orphanet 99939, MedGen C1843225, MONDO:0011894, OMIM 607684.

Submission:

Labcorp Genetics (formerly Invitae), Labcorp
Classification: Uncertain significance for Charcot-Marie-Tooth disease type 2E. Last evaluated: 2019-07-07. Review status: criteria provided, single submitter. Criteria: Invitae Variant Classification Sherloc (09022015). Collection method: clinical testing. Allele origin: germline.
Comment: This sequence change results in a premature translational stop signal in the NEFL gene (p.Glu487*). While this is not anticipated to result in nonsense mediated decay, it is expected to disrupt the last 57 amino acids of the NEFL protein. This variant is not present in population databases (ExAC no frequency). This variant has not been reported in the literature in individuals with NEFL-related conditions. In summary, the available evidence is currently insufficient to determine the role of this variant in disease. Therefore, it has been classified as a Variant of Uncertain Significance.

NM_006158.5(NEFL):c.1459G>T (p.Glu487Ter)

Gene: NEFL (neurofilament light chain; minus strand). Cytogenetic location: 8p21.2.
Variant type: single nucleotide variant.
Coding change: c.1459G>T on transcript NM_006158.5 (MANE Select); coding-DNA position 1459, G replaced by T.
Protein change: p.Glu487Ter; replaces glutamic acid 487 with a stop codon.
Molecular consequence: nonsense.
Genome position (GRCh38, 1-based): chr8:24,953,506, C>A on the plus strand (G>T on the coding strand, the complement: NEFL is on the minus strand). VCF-style: chr8-24953506-C-A. GRCh37 (hg19) VCF-style: chr8-24811019-C-A.
Other names: short protein forms E487*.
Identifiers: ClinVar variation 963849 (VCV000963849.6), dbSNP rs558065942, ClinGen allele CA370619876.